The following is an entry in ClinVar:

NM_145290.4(ADGRA3):c.3344T>C (p.Leu1115Ser)

Gene: ADGRA3 (adhesion G protein-coupled receptor A3; minus strand). Cytogenetic location: 4p15.2.
Variant type: single nucleotide variant.
Coding change: c.3344T>C on transcript NM_145290.4 (MANE Select); coding-DNA position 3344, T replaced by C.
Protein change: p.Leu1115Ser; replaces leucine 1115 with serine.
Molecular consequence: missense variant.
Genome position (GRCh38, 1-based): chr4:22,388,327, A>G on the plus strand (T>C on the coding strand, the complement: ADGRA3 is on the minus strand). VCF-style: chr4-22388327-A-G. GRCh37 (hg19) VCF-style: chr4-22389950-A-G.
Other names: short protein forms L1115S.
Identifiers: ClinVar variation 1042056 (VCV001042056.8), dbSNP rs1474747175, ClinGen allele CA356472903.
Genomic context (GRCh38, chr4:22,388,327, plus strand): 5'-GTGGAGTTCAAAGGTAAAGAATTGGCATGGCACTGAGCTGCAGCCGCCTGCAAGTTTGTT[A>G]ATTTGCAGCCCTGGGAGGAATTTTTGAAGCTTGAAGCACTTTTGTTTGTGCATGAAGACT-3'
Protein context (NP_660333.2, residues 1105-1125): SFKNSSQGCK[Leu1115Ser]TNLQAAAAQC

ClinVar aggregate classification (germline): Uncertain significance (1 of 4 stars; one submission).

Allele frequency attached by ClinVar (database versions not stated): gnomAD exomes below 0.00001; TOPMed below 0.00001.
gnomAD v4.1: 1 of 1,614,068 alleles (0.000062%); highest among the groups gnomAD compares: Non-Finnish European, 0.000085%; no homozygotes.

Submission:

Labcorp Genetics (formerly Invitae), Labcorp
Classification: Uncertain significance. Last evaluated: 2020-10-07. Review status: criteria provided, single submitter. Criteria: Invitae Variant Classification Sherloc (09022015). Collection method: clinical testing. Allele origin: germline.
Comment: Algorithms developed to predict the effect of missense changes on protein structure and function are either unavailable or do not agree on the potential impact of this missense change (SIFT: "Tolerated"; PolyPhen-2: "Probably Damaging"; Align-GVGD: "Class C0"). In summary, the available evidence is currently insufficient to determine the role of this variant in disease. Therefore, it has been classified as a Variant of Uncertain Significance. This variant has not been reported in the literature in individuals with ADGRA3-related conditions. This variant is not present in population databases (ExAC no frequency). This sequence change replaces leucine with serine at codon 1115 of the ADGRA3 protein (p.Leu1115Ser). The leucine residue is highly conserved and there is a large physicochemical difference between leucine and serine.